The following is an entry in ClinVar:

ClinVar aggregate classification (germline): Pathogenic. Review status: criteria provided, multiple submitters, no conflicts (2 of 4 stars). 37 submissions from 36 submitters: Pathogenic (33). 4 of the submissions do not count toward it. Last evaluated 2026-10-01.

Conditions:
NF1-related disorder. Also called: NF1-related condition. Identifiers: MedGen CN379171.
Cardiovascular phenotype. Identifiers: MedGen CN230736.
Hereditary cancer-predisposing syndrome. Also called: Tumor predisposition; Hereditary neoplastic syndrome; Neoplastic Syndromes, Hereditary; Hereditary Cancer Syndrome. Identifiers: Orphanet 140162, MedGen C0027672, MeSH D009386, MONDO:0015356.
Neurofibromatosis, type 1 (NF1). Also called: VON RECKLINGHAUSEN DISEASE; NEUROFIBROMATOSIS, TYPE I, SOMATIC; Peripheral type neurofibromatosis; Neurofibromatosis, type I. Identifiers: Orphanet 636, MedGen C0027831, MONDO:0018975, OMIM 162200. Disease mechanism: loss of function.
Neurofibromatosis-Noonan syndrome (NFNS). Also called: NEUROFIBROMATOSIS WITH NOONAN PHENOTYPE. Identifiers: Orphanet 638, MedGen C2931482, MONDO:0011035, OMIM 601321. Disease mechanism: loss of function.
Café-au-lait macules with pulmonary stenosis (WTSN). Also called: PULMONIC STENOSIS WITH CAFE-AU-LAIT SPOTS. Identifiers: MedGen C0553586, MONDO:0008672, OMIM 193520.
Neurofibromatosis, familial spinal (FSNF). Identifiers: Orphanet 636, MedGen C1834235, MONDO:0008078, OMIM 162210. Disease mechanism: loss of function.
Juvenile myelomonocytic leukemia (JMML). Also called: LEUKEMIA, JUVENILE MYELOMONOCYTIC, SOMATIC. Identifiers: Orphanet 86834, MedGen C0349639, MONDO:0011908, OMIM 607785, HP:0012209.
Intellectual disability. Also called: Intellectual functioning disability; Intellectual developmental disorder; intellectual disabilities. Identifiers: MedGen C3714756, MeSH D008607, MONDO:0001071, HP:0001249.
Neurodevelopmental delay. Identifiers: MedGen C4022738, HP:0012758.

Allele frequency attached by ClinVar (database versions not stated): gnomAD exomes below 0.00001; TOPMed below 0.00001; gnomAD 0.00001.
gnomAD v4.1: 4 of 1,614,004 alleles (0.00025%); highest among the groups gnomAD compares: African/African-American, 0.0013%; no homozygotes.

Submissions 1 to 10 of 37:

St. Jude Molecular Pathology, St. Jude Children's Research Hospital
Classification: Pathogenic for Neurofibromatosis, type 1. Last evaluated: 2026-10-01. Review status: criteria provided, single submitter. Criteria: St. Jude Assertion Criteria 2020. Collection method: clinical testing. Allele origin: germline.
Comment: The NF1 c.5425C>T p.(Arg1809Cys) missense change is absent in gnomAD v2.1.1. The in silico tool REVEL predicts a deleterious effect on protein function. This variant o ccurs in a gene where missense variants are more likely to be damaging based on methods described by Lek et al. (PMID: 27535533). This variant as well as other missense variants impacting Arg1809 have been reported in individuals with cafe au lait macule s and Noonan-like features without neurofibromas, suggesting that the phenotype associated with this variant may be mild or atypical (PMID: 25370043, 25966637, 26178382). In summary, this variant meets criteria to be classified as pathogenic.

Myriad Genetics, Inc.
Classification: Pathogenic for Neurofibromatosis, type 1. Last evaluated: 2026-01-29. Review status: criteria provided, single submitter. Criteria: Myriad Autosomal Dominant, Autosomal Recessive and X-Linked Classification Criteria (2023). Collection method: clinical testing. Allele origin: unknown.
Comment: This variant is considered pathogenic. This variant has been reported in multiple individuals with clinical features of gene-specific disease [PMID: 26178382, 12807981, 25370043, 25966637, 27838393, 40759488, 19120036, 27322474, 24357598].

Medical and Scientific Branch, Hong Kong Genome Institute
Classification: Pathogenic for Neurofibromatosis, type 1. Last evaluated: 2026-01-26. Review status: criteria provided, single submitter. Criteria: ACMG Guidelines, 2015. Collection method: clinical testing. Allele origin: de novo. Affected: yes.

Labcorp Genetics (formerly Invitae), Labcorp
Classification: Pathogenic for Neurofibromatosis, type 1. Last evaluated: 2026-01-02. Review status: criteria provided, single submitter. Criteria: Invitae Variant Classification Sherloc (09022015). Collection method: clinical testing. Allele origin: germline.
Comment: This sequence change replaces arginine, which is basic and polar, with cysteine, which is neutral and slightly polar, at codon 1809 of the NF1 protein (p.Arg1809Cys). This variant is not present in population databases (gnomAD no frequency). This missense change has been observed in individuals with neurofibromatosis, neurofibromatosis-Noonan syndrome, and/or Noonan syndrome (PMID: 12807981, 19120036, 24357598, 24789688, 26178382). It has also been observed to segregate with disease in related individuals. Invitae Evidence Modeling of clinical and family history, age, sex, and reported ancestry of multiple individuals with this NF1 variant has been performed. This variant is expected to be pathogenic with a positive predictive value of at least 99%. This is a validated machine learning model that incorporates the clinical features of 1,785,918 individuals referred to our laboratory for NF1 testing. ClinVar contains an entry for this variant (Variation ID: 208853). Invitae Evidence Modeling of protein sequence and biophysical properties (such as structural, functional, and spatial information, amino acid conservation, physicochemical variation, residue mobility, and thermodynamic stability) indicates that this missense variant is expected to disrupt NF1 protein function with a positive predictive value of 95%. For these reasons, this variant has been classified as Pathogenic.

Dasa
Classification: Pathogenic. Last evaluated: 2025-12-22. Review status: criteria provided, single submitter. Criteria: DASA Assertion Criteria. Collection method: clinical testing. Allele origin: germline.
Comment: NM_001042492.3(NF1):c.5488C>T (p.Arg1830Cys) is a missense variant that results in the substitution of arginine with cysteine. The affected residue or protein region has prior evidence supporting clinical relevance. Segregation evidence has been reported in affected families. This variant has been recurrently observed in individuals with related phenotype (PMID: 24357598; PMID: 25370043; PMID: 26178382; PMID: 25966637). Multiple computational predictions support a deleterious effect on the gene or gene product. The variant is present at low frequency in population datasets. Based on the available data, this variant is classified as pathogenic.

CeGaT Center for Human Genetics Tuebingen
Classification: Pathogenic. Last evaluated: 2025-10-01. Review status: criteria provided, single submitter. Criteria: CeGaT Center For Human Genetics Tuebingen Variant Classification Criteria Version 2. Collection method: clinical testing. Allele origin: germline. Affected: yes. Observed: 4 variant alleles.
Comment: NF1: PS2, PS4, PM1, PM2, PM5, PP2, PP3

Institute of Human Genetics, University of Leipzig Medical Center
Classification: Pathogenic for Neurofibromatosis-Noonan syndrome. Last evaluated: 2025-08-12. Review status: criteria provided, single submitter. Criteria: ACMG Guidelines, 2015. Collection method: clinical testing. Allele origin: unknown. Inheritance: Autosomal dominant inheritance. Affected: yes.
Comment: Criteria applied: PS4,PM5_STR,PS2_MOD,PS3_MOD,PP2,PP3

Division of Genetic & Genomic Pathology, Hong Kong Children's Hospital
Classification: Pathogenic for Neurofibromatosis, type 1. Last evaluated: 2025-07-08. Review status: criteria provided, single submitter. Criteria: ACMG Guidelines, 2015. Collection method: clinical testing. Allele origin: germline. Affected: yes.
Comment: NF1 c.5425C>T p.(Arg1809Cys) is a missense variant located in exon 37 (out of 57 exons) of the NF1 gene. It is present at a very low allele frequency in gnomAD v4.1.0 (total 4/1,614,004 alleles; highest allele frequency of at 0.00001335 in African/African American). The variant is deposited in ClinVar by multiple submitters as pathogenic (VCV000208853.76). It has been detected in multiple patients affected by Neurofibromatosis type 1 (PMID: 24357598, 25370043, 25966637, 31717729, 32107864, 37272364), and was co-segregated in affected family members (PMID: 24357598, 25370043, 25966637). The variant was reported to be de novo a study (PMID: 31717729). In silico predictions support a deleterious effect (REVEL score = 0.919). For these reasons, NF1 c.5425C>T p.(Arg1809Cys) is classified as pathogenic.

PreventionGenetics, part of Exact Sciences
Classification: Pathogenic for NF1-related condition. Last evaluated: 2025-05-23. Review status: criteria provided, single submitter. Criteria: ACMG Guidelines, 2015. Collection method: clinical testing. Allele origin: germline.
Comment: The NF1 c.5488C>T variant is predicted to result in the amino acid substitution p.Arg1830Cys. This variant, also known as c.5425C>T (p.Arg1809Cys) in the clinically relevant transcript NM_000267, has been observed in individuals with clinical features consistent with neurofibromatosis type 1 (NF1) in both de novo and familial cases (Rojnueangnit et al. 2015. PubMed ID: 26178382; Ekvall et al. 2014. PubMed ID: 24357598; Bianchessi et al. 2015. PubMed ID: 26740943; Santoro et al. 2015. PubMed ID: 25966637; Pinna et al. 2015. PubMed ID: 25370043). Functional studies suggest that this variant disrupts NF1 protein function (Wallis et al. 2018. PubMed ID: 29522274; Long et al. 2022. PubMed ID: 34694046). This variant has not been reported in a large population database, indicating it is rare. In ClinVar, this variant has been interpreted as pathogenic. This variant is interpreted as pathogenic.

Quest Diagnostics Nichols Institute San Juan Capistrano
Classification: Pathogenic. Last evaluated: 2025-03-06. Review status: criteria provided, single submitter. Criteria: Quest Diagnostics criteria. Collection method: clinical testing. Allele origin: unknown.
Comment: The NF1 c.5425C>T (p.Arg1809Cys) variant has been reported in the published literature in individuals with neurofibromatosis type I (PMID: 26178382 (2015), 25966637 (2015), 25370043 (2015), 24357598 (2014)), melanoma (PMID: 39528978 (2024)), and Noonan syndrome (PMID: 19120036 (2009)). Additionally, functional studies demonstrated that this variant had an inconclusive effect on protein function (PMID: 338816530 (2024), 35589737 (2022), 32243842 (2020)). The frequency of this variant in the general population (Genome Aggregation Database) is consistent with pathogenicity. Analysis of this variant using bioinformatics tools for the prediction of the effect of amino acid changes on protein structure and function yielded predictions that this variant is damaging. Based on the available information, this variant is classified as pathogenic.

NM_001042492.3(NF1):c.5488C>T (p.Arg1830Cys)

Gene: NF1 (neurofibromin 1; plus strand). Cytogenetic location: 17q11.2.
Variant type: single nucleotide variant.
Coding change: c.5488C>T on transcript NM_001042492.3 (MANE Select); coding-DNA position 5488, C replaced by T.
Protein change: p.Arg1830Cys; replaces arginine 1830 with cysteine.
Molecular consequence: missense variant.
Genome position (GRCh38, 1-based): chr17:31,327,718, C>T. VCF-style: chr17-31327718-C-T. GRCh37 (hg19) VCF-style: chr17-29654736-C-T.
Other names: c.5425C>T, p.Arg1809Cys (NM_000267.4); short protein forms R1809C, R1830C.
Identifiers: ClinVar variation 208853 (VCV000208853.95), dbSNP rs797045139, ClinGen allele CA276040.